The following is an entry in ClinVar:

ClinVar aggregate classification (germline): Conflicting classifications of pathogenicity. Review status: criteria provided, conflicting classifications (1 of 4 stars). 2 submissions from 2 submitters: Uncertain significance (1); Likely benign (1). Last evaluated 2025-07-20.

Conditions:
CHARGE syndrome (CHARGE). Also called: Hittner Hirsch Kreh syndrome; CHARGE ASSOCIATION--COLOBOMA, HEART ANOMALY, CHOANAL ATRESIA, RETARDATION, GENITAL AND EAR ANOMALIES; Coloboma, heart anomaly, choanal atresia, retardation, genital and ear anomalies; CHARGE association; Hall-Hittner syndrome. Identifiers: Orphanet 138, MedGen C0265354, MONDO:0008965.
SEMA3E-related disorder. Also called: SEMA3E-related condition.

Allele frequency attached by ClinVar (database versions not stated): gnomAD 0.00002.
gnomAD v4.1: 15 of 1,546,064 alleles (0.00097%); highest among the groups gnomAD compares: African/African-American, 0.0042%; no homozygotes.

Submissions (2):

Labcorp Genetics (formerly Invitae), Labcorp
Classification: Uncertain significance for CHARGE syndrome. Last evaluated: 2025-07-20. Review status: criteria provided, single submitter. Criteria: Invitae Variant Classification Sherloc (09022015). Collection method: clinical testing. Allele origin: germline.
Comment: This sequence change falls in intron 1 of the SEMA3E gene. It does not directly change the encoded amino acid sequence of the SEMA3E protein. It affects a nucleotide within the consensus splice site. This variant is present in population databases (no rsID available, gnomAD 0.01%). This variant has not been reported in the literature in individuals affected with SEMA3E-related conditions. ClinVar contains an entry for this variant (Variation ID: 2037145). Variants that disrupt the consensus splice site are a relatively common cause of aberrant splicing (PMID: 17576681, 9536098). Algorithms developed to predict the effect of sequence changes on RNA splicing suggest that this variant is not likely to affect RNA splicing. In summary, the available evidence is currently insufficient to determine the role of this variant in disease. Therefore, it has been classified as a Variant of Uncertain Significance.

PreventionGenetics, part of Exact Sciences
Classification: Likely benign for SEMA3E-related condition. Last evaluated: 2024-10-26. Review status: criteria provided, single submitter. Criteria: ACMG Guidelines, 2015. Collection method: clinical testing. Allele origin: germline.
Comment: This variant is classified as likely benign based on ACMG/AMP sequence variant interpretation guidelines (Richards et al. 2015 PMID: 25741868, with internal and published modifications).

Literature cited by the submitters: PubMed 17576681 (cited by Labcorp Genetics (formerly Invitae), Labcorp); PubMed 9536098 (cited by Labcorp Genetics (formerly Invitae), Labcorp).

NM_012431.3(SEMA3E):c.115+4G>A

Gene: SEMA3E (semaphorin 3E; minus strand). Cytogenetic location: 7q21.11.
Variant type: single nucleotide variant.
Coding change: c.115+4G>A on transcript NM_012431.3 (MANE Select); 4 bases into the intron after coding-DNA position 115, G replaced by A.
Molecular consequence: intron variant.
Genome position (GRCh38, 1-based): chr7:83,648,424, C>T on the plus strand (G>A on the coding strand, the complement: SEMA3E is on the minus strand). VCF-style: chr7-83648424-C-T. GRCh37 (hg19) VCF-style: chr7-83277740-C-T.
Other names: c.115+4G>A (NM_012431.2).
Identifiers: ClinVar variation 2037145 (VCV002037145.5), dbSNP rs1406588957, ClinGen allele CA575989435.